The following is an entry in ClinVar:

ClinVar aggregate classification (germline): Pathogenic. Review status: criteria provided, multiple submitters, no conflicts (2 of 4 stars). 2 submissions from 2 submitters: Pathogenic (2). Last evaluated 2025-07-27.

Conditions:
Hereditary nonpolyposis colorectal neoplasms. Identifiers: MedGen C0009405, MeSH D003123.
Lynch syndrome 5 (LYNCH5). Also called: Colorectal cancer, hereditary nonpolyposis, type 5; Hereditary non-polyposis colorectal cancer, type 5. Identifiers: Orphanet 144, MedGen C1833477, MONDO:0013710, OMIM 614350. Disease mechanism: loss of function.

Submissions (2):

Labcorp Genetics (formerly Invitae), Labcorp
Classification: Pathogenic for Hereditary nonpolyposis colorectal neoplasms. Last evaluated: 2025-07-27. Review status: criteria provided, single submitter. Criteria: Invitae Variant Classification Sherloc (09022015). Collection method: clinical testing. Allele origin: germline.
Comment: This sequence change creates a premature translational stop signal (p.Leu905*) in the MSH6 gene. It is expected to result in an absent or disrupted protein product. Loss-of-function variants in MSH6 are known to be pathogenic (PMID: 18269114, 24362816). This variant is not present in population databases (gnomAD no frequency). This variant has not been reported in the literature in individuals affected with MSH6-related conditions. ClinVar contains an entry for this variant (Variation ID: 1996076). For these reasons, this variant has been classified as Pathogenic.

Myriad Genetics, Inc.
Classification: Pathogenic for Lynch syndrome 5. Last evaluated: 2023-08-17. Review status: criteria provided, single submitter. Criteria: Myriad Autosomal Dominant, Autosomal Recessive and X-Linked Classification Criteria (2023). Collection method: clinical testing. Allele origin: unknown.
Comment: This variant is considered pathogenic. This variant creates a termination codon and is predicted to result in premature protein truncation.

Literature cited by the submitters: PubMed 18269114 (cited by Labcorp Genetics (formerly Invitae), Labcorp); PubMed 24362816 (cited by Labcorp Genetics (formerly Invitae), Labcorp).

NM_000179.3(MSH6):c.2714del (p.Asp904_Leu905insTer)

Gene: MSH6 (mutS homolog 6; plus strand). Cytogenetic location: 2p16.3.
Variant type: Deletion.
Coding change: c.2714del on transcript NM_000179.3 (MANE Select); coding-DNA position 2714, one base deleted (T; older notation c.2714delT).
Protein change: p.Asp904_Leu905insTer.
Molecular consequence: nonsense. On other transcripts: frameshift variant (34).
Genome position (GRCh38, 1-based): chr2:47,800,697, T deleted; the last of 3 consecutive T bases (chr2:47,800,695-47,800,697); deleting any one gives the same sequence. VCF-style (leftmost placement, unchanged base first): chr2-47800694-AT-A. GRCh37 (hg19) VCF-style: chr2-48027833-AT-A.
Other names: c.2324del, p.Asp774_Leu775insTer (NM_001281492.2); c.1808del, p.Asp602_Leu603insTer (NM_001281493.2, NM_001281494.2); c.2810delT, p.Leu937Terfs (NM_001406795.1, NM_001406802.1); c.2714delT, p.Leu905Terfs (NM_001406796.1, NM_001406798.1, NM_001406800.1 and 2 more transcripts); c.2417delT, p.Leu806Terfs (NM_001406797.1, NM_001406801.1, NM_001406805.1 and 10 more transcripts); c.2189delT, p.Leu730Terfs (NM_001406799.1, NM_001406806.1, NM_001406807.1); c.2636delT, p.Leu879Terfs (NM_001406804.1); c.1808delT, p.Leu603Terfs (NM_001406811.1, NM_001406812.1, NM_001406814.1 and 4 more transcripts); and 3 more.
Identifiers: ClinVar variation 1996076 (VCV001996076.5), dbSNP rs2530688688, ClinGen allele CA2580067981.